The following is an entry in ClinVar:

NM_020806.5(GPHN):c.1046A>G (p.His349Arg)

Gene: GPHN (gephyrin; plus strand). Cytogenetic location: 14q23.3.
Variant type: single nucleotide variant.
Coding change: c.1046A>G on transcript NM_020806.5 (MANE Select); coding-DNA position 1046, A replaced by G.
Protein change: p.His349Arg; replaces histidine 349 with arginine.
Molecular consequence: missense variant.
Genome position (GRCh38, 1-based): chr14:67,058,688, A>G. VCF-style: chr14-67058688-A-G. GRCh37 (hg19) VCF-style: chr14-67525405-A-G.
Other names: c.947A>G, p.His316Arg (NM_001024218.2); c.1106A>G, p.His369Arg (NM_001377514.1); c.1076A>G, p.His359Arg (NM_001377515.1); c.1067A>G, p.His356Arg (NM_001377516.1); c.1019A>G, p.His340Arg (NM_001377517.1); c.1004A>G, p.His335Arg (NM_001377518.1); c.986A>G, p.His329Arg (NM_001377519.1); short protein forms H316R, H356R, H340R, H359R, H349R, H329R, H335R, H369R.
Identifiers: ClinVar variation 1981946 (VCV001981946.4), dbSNP rs1251852549, ClinGen allele CA390258157.

ClinVar aggregate classification (germline): Uncertain significance (1 of 4 stars; one submission).

Conditions:
Sulfite oxidase deficiency due to molybdenum cofactor deficiency type C. Also called: Molybdenum cofactor deficiency, complementation group C; Molybdenum cofactor deficiency C. Identifiers: Orphanet 308400, Orphanet 833, MedGen C1854990, MONDO:0014212, OMIM 615501.

Allele frequency attached by ClinVar (database versions not stated): gnomAD exomes below 0.00001; gnomAD 0.00001; TOPMed 0.00002.
gnomAD v4.1: 5 of 1,613,344 alleles (0.00031%); highest among the groups gnomAD compares: African/African-American, 0.0013%; no homozygotes.

Submission:

Labcorp Genetics (formerly Invitae), Labcorp
Classification: Uncertain significance for Sulfite oxidase deficiency due to molybdenum cofactor deficiency type C. Last evaluated: 2024-11-11. Review status: criteria provided, single submitter. Criteria: Invitae Variant Classification Sherloc (09022015). Collection method: clinical testing. Allele origin: germline.
Comment: This sequence change replaces histidine, which is basic and polar, with arginine, which is basic and polar, at codon 349 of the GPHN protein (p.His349Arg). This variant is not present in population databases (gnomAD no frequency). This variant has not been reported in the literature in individuals affected with GPHN-related conditions. ClinVar contains an entry for this variant (Variation ID: 1981946). Invitae Evidence Modeling of protein sequence and biophysical properties (such as structural, functional, and spatial information, amino acid conservation, physicochemical variation, residue mobility, and thermodynamic stability) indicates that this missense variant is not expected to disrupt GPHN protein function with a negative predictive value of 80%. In summary, the available evidence is currently insufficient to determine the role of this variant in disease. Therefore, it has been classified as a Variant of Uncertain Significance.